The following is an entry in ClinVar:

NM_000376.3(VDR):c.933G>A (p.Glu311=)

Gene: VDR (vitamin D receptor; minus strand). Cytogenetic location: 12q13.11.
Variant type: single nucleotide variant.
Coding change: c.933G>A on transcript NM_000376.3 (MANE Select); coding-DNA position 933, G replaced by A.
Protein change: p.Glu311=; no amino-acid change (glutamic acid 311 retained).
Molecular consequence: synonymous variant.
Genome position (GRCh38, 1-based): chr12:47,846,426, C>T on the plus strand (G>A on the coding strand, the complement: VDR is on the minus strand). VCF-style: chr12-47846426-C-T. GRCh37 (hg19) VCF-style: chr12-48240209-C-T.
Other names: c.933G>A, p.Glu311= (NM_001017535.2, NM_001364085.2, NM_001374661.1 and 1 more transcripts); c.1083G>A, p.Glu361= (NM_001017536.2).
Identifiers: ClinVar variation 708021 (VCV000708021.33), dbSNP rs150775215, ClinGen allele CA6533809.
Genomic context (GRCh38, chr12:47,846,426, plus strand): 5'-GACATGCTCCTCCTCATGCAAGTTCAGCTTCTTCAGTCCCACCTGGAACTTGATGAGGGG[C>T]TCAATCAGCTCCAGGCTGTGTCCGGCTGTGAGAGACAATGGCCAGGTACTGCGGGCAGAG-3'
Protein context (NP_000367.1, residues 301-321): TKAGHSLELI[Glu311=]PLIKFQVGLK

ClinVar aggregate classification (germline): Conflicting classifications of pathogenicity. Review status: criteria provided, conflicting classifications (1 of 4 stars). 6 submissions from 6 submitters: Uncertain significance (1); Benign (1); Likely benign (4). Last evaluated 2026-07-01.

Conditions:
Vitamin D-dependent rickets type II with alopecia (VDDR2A). Also called: GENERALIZED RESISTANCE TO 1,25-DIHYDROXYVITAMIN D; HYPOCALCEMIC VITAMIN D-RESISTANT RICKETS; PDDR IIA; PSEUDOVITAMIN D-DEFICIENCY, TYPE IIA; RICKETS, HEREDITARY VITAMIN D-RESISTANT; RICKETS-ALOPECIA SYNDROME. Identifiers: Orphanet 93160, MedGen C0342646, MONDO:0010186, OMIM 277440.

Allele frequency attached by ClinVar (database versions not stated): 1000 Genomes Project 30x 0.00047; 1000 Genomes Project 0.00060; TOPMed 0.00116; ESP Exome Variant Server 0.00192; gnomAD 0.00210 and 0.00217; gnomAD exomes 0.00313 and 0.00314; ExAC 0.00368.
gnomAD v4.1: 4,687 of 1,569,316 alleles (0.3%); highest among the groups gnomAD compares: Non-Finnish European, 0.31%; 13 homozygotes.

Submissions (6):

CeGaT Center for Human Genetics Tuebingen
Classification: Likely benign. Last evaluated: 2026-07-01. Review status: criteria provided, single submitter. Criteria: CeGaT Center For Human Genetics Tuebingen Variant Classification Criteria Version 2. Collection method: clinical testing. Allele origin: germline. Affected: yes. Observed: 6 variant alleles.
Comment: VDR: BP4, BP7

Labcorp Genetics (formerly Invitae), Labcorp
Classification: Benign. Last evaluated: 2026-02-01. Review status: criteria provided, single submitter. Criteria: Invitae Variant Classification Sherloc (09022015). Collection method: clinical testing. Allele origin: germline.

Center for Genomic Medicine, Rigshospitalet, Copenhagen University Hospital
Classification: Likely benign. Last evaluated: 2025-03-04. Review status: criteria provided, single submitter. Criteria: ACMG Guidelines, 2015. Collection method: clinical testing. Allele origin: germline.

Blueprint Genetics
Classification: Likely benign. Last evaluated: 2024-11-21. Review status: criteria provided, single submitter. Criteria: ACMG Guidelines, 2015. Collection method: clinical testing. Allele origin: germline.

GeneDx
Classification: Likely benign. Last evaluated: 2020-11-11. Review status: criteria provided, single submitter. Criteria: GeneDx Variant Classification Process June 2021. Collection method: clinical testing. Allele origin: germline. Affected: yes.

Illumina Laboratory Services, Illumina
Classification: Uncertain significance for Vitamin D-dependent rickets type II with alopecia. Last evaluated: 2018-01-13. Review status: criteria provided, single submitter. Criteria: ICSL Variant Classification Criteria 13 December 2019. Collection method: clinical testing. Allele origin: germline.